The following is an entry in ClinVar:

NM_001365951.3(KIF1B):c.2115+6523G>A

Gene: KIF1B (kinesin family member 1B; plus strand). Cytogenetic location: 1p36.22.
Variant type: single nucleotide variant.
Coding change: c.2115+6523G>A on transcript NM_001365951.3 (MANE Select); 6523 bases into the intron after coding-DNA position 2115, G replaced by A.
Molecular consequence: intron variant. On other transcripts: missense variant (2).
Genome position (GRCh38, 1-based): chr1:10,303,769, G>A. VCF-style: chr1-10303769-G-A. GRCh37 (hg19) VCF-style: chr1-10363827-G-A.
Other names: c.2584G>A, p.Gly862Arg (NM_001365953.1, NM_183416.4); c.1977+6523G>A (NM_015074.3); c.2115+6523G>A (NM_001365952.1); short protein forms G862R.
Identifiers: ClinVar variation 3891480 (VCV003891480.7).

ClinVar aggregate classification (germline): Conflicting classifications of pathogenicity. Review status: criteria provided, conflicting classifications (1 of 4 stars). 2 submissions from 2 submitters: Uncertain significance (1); Likely benign (1). Last evaluated 2025-10-01.

Conditions:
Neuroblastoma, susceptibility to, 1. Identifiers: MedGen C2749485, MONDO:0009741, OMIM 256700.
Charcot-Marie-Tooth disease type 2A1. Also called: CHARCOT-MARIE-TOOTH DISEASE, AXONAL, TYPE 2A1; CHARCOT-MARIE-TOOTH DISEASE, AXONAL, AUTOSOMAL DOMINANT, TYPE 2A1; CHARCOT-MARIE-TOOTH DISEASE, NEURONAL, TYPE 2A1; CHARCOT-MARIE-TOOTH NEUROPATHY, TYPE 2A1; HEREDITARY MOTOR AND SENSORY NEUROPATHY IIA1. Identifiers: Orphanet 99946, MedGen C1861678, MONDO:0007308, OMIM 118210.

gnomAD v4.1: 67 of 1,614,152 alleles (0.0042%); highest among the groups gnomAD compares: East Asian, 0.12%; no homozygotes.

Submissions (2):

CeGaT Center for Human Genetics Tuebingen
Classification: Likely benign. Last evaluated: 2025-10-01. Review status: criteria provided, single submitter. Criteria: CeGaT Center For Human Genetics Tuebingen Variant Classification Criteria Version 2. Collection method: clinical testing. Allele origin: germline. Affected: yes. Observed: 1 variant allele.
Comment: KIF1B: BP4, BS1

Department of Pathology and Laboratory Medicine, Sinai Health System
Classification: Uncertain significance for Charcot-Marie-Tooth disease type 2A1; Neuroblastoma, susceptibility to, 1. Last evaluated: 2021-07-30. Review status: criteria provided, single submitter. Criteria: ACMG Guidelines, 2015. Collection method: research. Allele origin: germline.